The following is an entry in ClinVar:

NM_130839.5(UBE3A):c.1009A>T (p.Met337Leu)

Genes: SNHG14 (small nucleolar RNA host gene 14; plus strand), UBE3A (ubiquitin protein ligase E3A; minus strand). Cytogenetic location: 15q11.2.
Variant type: single nucleotide variant.
Coding change: c.1009A>T on transcript NM_130839.5 (MANE Select); coding-DNA position 1009, A replaced by T.
Protein change: p.Met337Leu; replaces methionine 337 with leucine.
Molecular consequence: missense variant. On other transcripts: non-coding transcript variant (1), intron variant (2).
Genome position (GRCh38, 1-based): chr15:25,371,165, T>A on the plus strand (A>T on the coding strand, the complement: UBE3A is on the minus strand). VCF-style: chr15-25371165-T-A. GRCh37 (hg19) VCF-style: chr15-25616312-T-A.
Other names: c.1018A>T, p.Met340Leu (NM_000462.5); c.1009A>T, p.Met337Leu (NM_001354505.1, NM_001354538.2, NM_001354545.2); c.949A>T, p.Met317Leu (NM_001354506.2, NM_001354507.2, NM_001354508.2 and 17 more transcripts); c.832A>T, p.Met278Leu (NM_001354546.2); c.301+4300A>T (NM_001354551.2); c.361+4300A>T (NM_001354550.2); short protein forms M317L, M337L, M340L, M278L.
Identifiers: ClinVar variation 437195 (VCV000437195.10), dbSNP rs368318081, ClinGen allele CA7435570.

ClinVar aggregate classification (germline): Uncertain significance. Review status: criteria provided, multiple submitters, no conflicts (2 of 4 stars). 3 submissions from 3 submitters: Uncertain significance (3). Last evaluated 2024-07-22.

Conditions:
Angelman syndrome (AS). Also called: HAPPY PUPPET SYNDROME. Identifiers: Orphanet 72, MedGen C0162635, MONDO:0007113, OMIM 105830. Disease mechanism: loss of function. Inheritance: AS is caused by disruption of maternally imprinted UBE3A located within the 15q11.2-q13 Angelman syndrome/Prader-Willi syndrome (AS/PWS) region., imprinting disorder.

Allele frequency attached by ClinVar (database versions not stated): gnomAD exomes 0.00001 and 0.00002; ExAC 0.00002; TOPMed 0.00002; ESP Exome Variant Server 0.00008.
gnomAD v4.1: 34 of 1,614,062 alleles (0.0021%); highest among the groups gnomAD compares: Non-Finnish European, 0.0027%; no homozygotes.

Submissions (3):

Labcorp Genetics (formerly Invitae), Labcorp
Classification: Uncertain significance for Angelman syndrome. Last evaluated: 2024-07-22. Review status: criteria provided, single submitter. Criteria: Invitae Variant Classification Sherloc (09022015). Collection method: clinical testing. Allele origin: germline.
Comment: This sequence change replaces methionine, which is neutral and non-polar, with leucine, which is neutral and non-polar, at codon 317 of the UBE3A protein (p.Met317Leu). This variant is present in population databases (rs368318081, gnomAD 0.003%). This variant has not been reported in the literature in individuals affected with UBE3A-related conditions. ClinVar contains an entry for this variant (Variation ID: 437195). Advanced modeling of protein sequence and biophysical properties (such as structural, functional, and spatial information, amino acid conservation, physicochemical variation, residue mobility, and thermodynamic stability) performed at Invitae indicates that this missense variant is not expected to disrupt UBE3A protein function with a negative predictive value of 95%. In summary, the available evidence is currently insufficient to determine the role of this variant in disease. Therefore, it has been classified as a Variant of Uncertain Significance.

Fulgent Genetics
Classification: Uncertain significance for Angelman syndrome. Last evaluated: 2018-10-31. Review status: criteria provided, single submitter. Criteria: ACMG Guidelines, 2015. Collection method: clinical testing. Allele origin: unknown.

Genetic Services Laboratory, University of Chicago
Classification: Uncertain significance. Last evaluated: 2016-12-09. Review status: criteria provided, single submitter. Criteria: ACMG Guidelines, 2015. Collection method: clinical testing. Allele origin: germline. Affected: no.